The following is an entry in ClinVar:

NM_007272.3(CTRC):c.790G>C (p.Glu264Gln)

Gene: CTRC (chymotrypsin C; plus strand). Cytogenetic location: 1p36.21.
Variant type: single nucleotide variant.
Coding change: c.790G>C on transcript NM_007272.3 (MANE Select); coding-DNA position 790, G replaced by C.
Protein change: p.Glu264Gln; replaces glutamic acid 264 with glutamine.
Molecular consequence: missense variant.
Genome position (GRCh38, 1-based): chr1:15,445,747, G>C. VCF-style: chr1-15445747-G-C. GRCh37 (hg19) VCF-style: chr1-15772242-G-C.
Other names: short protein forms E264Q.
Identifiers: ClinVar variation 1761185 (VCV001761185.3), dbSNP rs1428850483, ClinGen allele CA338568065.

ClinVar aggregate classification (germline): Uncertain significance (1 of 4 stars; one submission).

Conditions:
Hereditary pancreatitis (PCTT). Also called: Hereditary chronic pancreatitis; PRSS1-Related Hereditary Pancreatitis. Identifiers: Orphanet 676, MedGen C0238339, MONDO:0008185, OMIM 167800.

Submission:

Ambry Genetics
Classification: Uncertain significance for Hereditary pancreatitis. Last evaluated: 2024-03-21. Review status: criteria provided, single submitter. Criteria: Ambry Variant Classification Scheme 2023. Collection method: clinical testing. Allele origin: germline.
Comment: The p.E264Q variant (also known as c.790G>C), located in coding exon 7 of the CTRC gene, results from a G to C substitution at nucleotide position 790. The glutamic acid at codon 264 is replaced by glutamine, an amino acid with highly similar properties. This amino acid position is conserved. In addition, this alteration is predicted to be tolerated by in silico analysis. Since supporting evidence is limited at this time, the clinical significance of this alteration remains unclear.